The following is an entry in ClinVar:

ClinVar aggregate classification (germline): Benign. Review status: criteria provided, multiple submitters, no conflicts (2 of 4 stars). 2 submissions from 2 submitters: Benign (2). Last evaluated 2018-01-13.

Conditions:
Congenital microvillous atrophy (DIAR2). Also called: DAVIDSON DISEASE; MICROVILLUS ATROPHY, CONGENITAL; Microvillus inclusion disease; Diarrhea 2 with microvillus atrophy, with or without cholestasis; CONGENITAL FAMILIAL PROTRACTED DIARRHEA WITH ENTEROCYTE BRUSH-BORDER ABNORMALITIES. Identifiers: Orphanet 2290, MedGen C0341306, MONDO:0009635, OMIM 251850.

Allele frequency attached by ClinVar (database versions not stated): gnomAD 0.06800 and 0.07426; TOPMed 0.08892; 1000 Genomes Project 30x 0.13570; 1000 Genomes Project 0.13698.

Submissions (2):

Illumina Laboratory Services, Illumina
Classification: Benign for Congenital microvillous atrophy. Last evaluated: 2018-01-13. Review status: criteria provided, single submitter. Criteria: ICSL Variant Classification Criteria 13 December 2019. Collection method: clinical testing. Allele origin: germline.
Comment: This variant was observed in the ICSL laboratory as part of a predisposition screen in an ostensibly healthy population. It had not been previously curated by ICSL or reported in the Human Gene Mutation Database (HGMD: prior to June 1st, 2018), and was therefore a candidate for classification through an automated scoring system. Utilizing variant allele frequency, disease prevalence and penetrance estimates, and inheritance mode, an automated score was calculated to assess if this variant is too frequent to cause the disease. Based on the score and internal cut-off values, a variant classified as benign is not then subjected to further curation. The score for this variant resulted in a classification of benign for this disease.

Breakthrough Genomics
Classification: Benign. Review status: criteria provided, single submitter. Criteria: ACMG Guidelines, 2015. Collection method: not provided. Allele origin: germline. Inheritance: Autosomal recessive inheritance. Affected: yes.

NM_001080467.3(MYO5B):c.*873G>A

Genes: SNHG22 (small nucleolar RNA host gene 22; plus strand), MYO5B (myosin VB; minus strand). Cytogenetic location: 18q21.1.
Variant type: single nucleotide variant.
Coding change: c.*873G>A on transcript NM_001080467.3 (MANE Select); 873 bases downstream of the stop codon, G replaced by A.
Molecular consequence: 3 prime UTR variant.
Genome position (GRCh38, 1-based): chr18:49,825,598, C>T on the plus strand (G>A on the coding strand, the complement: MYO5B is on the minus strand). VCF-style: chr18-49825598-C-T. GRCh37 (hg19) VCF-style: chr18-47351968-C-T.
Identifiers: ClinVar variation 326980 (VCV000326980.6), dbSNP rs4638687, ClinGen allele CA10641551.